The following is an entry in ClinVar:

NM_001112741.2(KCNC1):c.1663G>A (p.Ala555Thr)

Gene: KCNC1 (potassium voltage-gated channel subfamily C member 1; plus strand). Cytogenetic location: 11p15.1.
Variant type: single nucleotide variant.
Coding change: c.1663G>A on transcript NM_001112741.2 (MANE Select); coding-DNA position 1663, G replaced by A.
Protein change: p.Ala555Thr; replaces alanine 555 with threonine.
Molecular consequence: missense variant.
Genome position (GRCh38, 1-based): chr11:17,779,614, G>A. VCF-style: chr11-17779614-G-A. GRCh37 (hg19) VCF-style: chr11-17801161-G-A.
Other names: short protein forms A555T.
Identifiers: ClinVar variation 962373 (VCV000962373.8), dbSNP rs1237851177, ClinGen allele CA379814578.

ClinVar aggregate classification (germline): Uncertain significance (1 of 4 stars; one submission).

Conditions:
Progressive myoclonic epilepsy type 7. Identifiers: Orphanet 435438, MedGen C4015420, MONDO:0014521, OMIM 616187.

Allele frequency attached by ClinVar (database versions not stated): gnomAD 0.00001; gnomAD exomes 0.00001.
gnomAD v4.1: 18 of 1,549,894 alleles (0.0012%); highest among the groups gnomAD compares: African/African-American, 0.0027%; no homozygotes.

Submission:

Labcorp Genetics (formerly Invitae), Labcorp
Classification: Uncertain significance for Progressive myoclonic epilepsy type 7. Last evaluated: 2022-03-01. Review status: criteria provided, single submitter. Criteria: Invitae Variant Classification Sherloc (09022015). Collection method: clinical testing. Allele origin: germline.
Comment: Advanced modeling of protein sequence and biophysical properties (such as structural, functional, and spatial information, amino acid conservation, physicochemical variation, residue mobility, and thermodynamic stability) performed at Invitae indicates that this missense variant is not expected to disrupt KCNC1 protein function. In summary, the available evidence is currently insufficient to determine the role of this variant in disease. Therefore, it has been classified as a Variant of Uncertain Significance. ClinVar contains an entry for this variant (Variation ID: 962373). This variant has not been reported in the literature in individuals affected with KCNC1-related conditions. The frequency data for this variant in the population databases is considered unreliable, as metrics indicate poor data quality at this position in the gnomAD database. This sequence change replaces alanine, which is neutral and non-polar, with threonine, which is neutral and polar, at codon 555 of the KCNC1 protein (p.Ala555Thr).